The following is an entry in ClinVar:

NM_015259.6(ICOSLG):c.241C>T (p.Arg81Trp)

Gene: ICOSLG (inducible T cell costimulator ligand; minus strand). Cytogenetic location: 21q22.3.
Variant type: single nucleotide variant.
Coding change: c.241C>T on transcript NM_015259.6 (MANE Select); coding-DNA position 241, C replaced by T.
Protein change: p.Arg81Trp; replaces arginine 81 with tryptophan.
Molecular consequence: missense variant. On other transcripts: 5 prime UTR variant (1), intron variant (1).
Genome position (GRCh38, 1-based): chr21:44,237,032, G>A on the plus strand (C>T on the coding strand, the complement: ICOSLG is on the minus strand). VCF-style: chr21-44237032-G-A. GRCh37 (hg19) VCF-style: chr21-45656915-G-A.
Other names: c.241C>T, p.Arg81Trp (NM_001283050.2, NM_001395918.1); c.-15C>T (NM_001283052.2); c.160C>T, p.Arg54Trp (NM_001365759.2); c.55+1416C>T (NM_001283051.2); c.241C>T (NM_015259.4); short protein forms R54W, R81W.
Identifiers: ClinVar variation 1900556 (VCV001900556.6), dbSNP rs558943057, ClinGen allele CA321498293.

ClinVar aggregate classification (germline): Uncertain significance. Review status: criteria provided, multiple submitters, no conflicts (2 of 4 stars). 2 submissions from 2 submitters: Uncertain significance (2). Last evaluated 2025-08-25.

Allele frequency attached by ClinVar (database versions not stated): ExAC 0.00001; 1000 Genomes Project 0.00020.

Submissions (2):

Ambry Genetics
Classification: Uncertain significance. Last evaluated: 2025-08-25. Review status: criteria provided, single submitter. Criteria: Ambry Variant Classification Scheme 2023. Collection method: clinical testing. Allele origin: germline.

Labcorp Genetics (formerly Invitae), Labcorp
Classification: Uncertain significance. Last evaluated: 2024-07-24. Review status: criteria provided, single submitter. Criteria: Invitae Variant Classification Sherloc (09022015). Collection method: clinical testing. Allele origin: germline.
Comment: This sequence change replaces arginine, which is basic and polar, with tryptophan, which is neutral and slightly polar, at codon 81 of the ICOSLG protein (p.Arg81Trp). This variant is present in population databases (rs558943057, gnomAD 0.0009%). This variant has not been reported in the literature in individuals affected with ICOSLG-related conditions. ClinVar contains an entry for this variant (Variation ID: 1900556). An algorithm developed to predict the effect of missense changes on protein structure and function (PolyPhen-2) suggests that this variant is likely to be tolerated. In summary, the available evidence is currently insufficient to determine the role of this variant in disease. Therefore, it has been classified as a Variant of Uncertain Significance.